The following is an entry in ClinVar:

NM_172364.5(CACNA2D4):c.3295G>A (p.Ala1099Thr)

Gene: CACNA2D4 (calcium voltage-gated channel auxiliary subunit alpha2delta 4; minus strand). Cytogenetic location: 12p13.33.
Variant type: single nucleotide variant.
Coding change: c.3295G>A on transcript NM_172364.5 (MANE Select); coding-DNA position 3295, G replaced by A.
Protein change: p.Ala1099Thr; replaces alanine 1099 with threonine.
Molecular consequence: missense variant.
Genome position (GRCh38, 1-based): chr12:1,795,313, C>T on the plus strand (G>A on the coding strand, the complement: CACNA2D4 is on the minus strand). VCF-style: chr12-1795313-C-T. GRCh37 (hg19) VCF-style: chr12-1904479-C-T.
Other names: short protein forms A1099T.
Identifiers: ClinVar variation 2103128 (VCV002103128.4), dbSNP rs370089468, ClinGen allele CA231518594.

ClinVar aggregate classification (germline): Uncertain significance (1 of 4 stars; one submission).

Allele frequency attached by ClinVar (database versions not stated): TOPMed below 0.00001; gnomAD 0.00001; gnomAD exomes 0.00001; ESP Exome Variant Server 0.00008.
gnomAD v4.1: 12 of 1,612,990 alleles (0.00074%); highest among the groups gnomAD compares: Non-Finnish European, 0.001%; no homozygotes.

Submission:

Labcorp Genetics (formerly Invitae), Labcorp
Classification: Uncertain significance. Last evaluated: 2022-08-22. Review status: criteria provided, single submitter. Criteria: Invitae Variant Classification Sherloc (09022015). Collection method: clinical testing. Allele origin: germline.
Comment: In summary, the available evidence is currently insufficient to determine the role of this variant in disease. Therefore, it has been classified as a Variant of Uncertain Significance. Algorithms developed to predict the effect of missense changes on protein structure and function are either unavailable or do not agree on the potential impact of this missense change (SIFT: "Deleterious"; PolyPhen-2: "Possibly Damaging"; Align-GVGD: "Class C0"). This variant has not been reported in the literature in individuals affected with CACNA2D4-related conditions. The frequency data for this variant in the population databases is considered unreliable, as metrics indicate poor data quality at this position in the gnomAD database. This sequence change replaces alanine, which is neutral and non-polar, with threonine, which is neutral and polar, at codon 1099 of the CACNA2D4 protein (p.Ala1099Thr).